The following is an entry in ClinVar:

NM_001735.3(C5):c.4763-11A>T

Gene: C5 (complement C5; minus strand). Cytogenetic location: 9q33.2.
Variant type: single nucleotide variant.
Coding change: c.4763-11A>T on transcript NM_001735.3 (MANE Select); 11 bases into the intron before coding-DNA position 4763, A replaced by T.
Molecular consequence: intron variant.
Genome position (GRCh38, 1-based): chr9:120,953,879, T>A on the plus strand (A>T on the coding strand, the complement: C5 is on the minus strand). VCF-style: chr9-120953879-T-A. GRCh37 (hg19) VCF-style: chr9-123716157-T-A.
Other names: c.4781-11A>T (NM_001317163.2).
Identifiers: ClinVar variation 4536896 (VCV004536896.1).

ClinVar aggregate classification (germline): Likely benign (1 of 4 stars; one submission).

gnomAD v4.1: 17 of 1,613,658 alleles (0.0011%); highest among the groups gnomAD compares: Non-Finnish European, 0.0014%; no homozygotes.

Submission:

Women's Health and Genetics/Laboratory Corporation of America, LabCorp
Classification: Likely benign. Last evaluated: 2025-11-10. Review status: criteria provided, single submitter. Criteria: LabCorp Variant Classification Summary - May 2015. Collection method: clinical testing. Allele origin: germline.
Comment: Variant summary: C5 c.4763-11A>T alters a non-conserved nucleotide located at a position not widely known to affect splicing. Consensus agreement among computation tools predict no significant impact on normal splicing. However, these predictions have yet to be confirmed by functional studies. The variant allele was found at a frequency of 4e-06 in 251374 control chromosomes. The available data on variant occurrences in the general population are insufficient to allow any conclusion about variant significance. To our knowledge, no occurrence of c.4763-11A>T in individuals affected with C5-related conditions and no experimental evidence demonstrating its impact on protein function have been reported. No submitters have cited clinical-significance assessments for this variant to ClinVar. Based on the evidence outlined above, the variant was classified as likely benign.